The following is an entry in ClinVar:

ClinVar aggregate classification (germline): Uncertain significance. Review status: criteria provided, multiple submitters, no conflicts (2 of 4 stars). 2 submissions from 2 submitters: Uncertain significance (2). Last evaluated 2024-04-10.

Conditions:
Juberg-Hayward syndrome (JHS). Also called: OROCRANIODIGITAL SYNDROME; Cleft lip/palate with abnormal thumbs and microcephaly. Identifiers: Orphanet 2319, MedGen C0796099, MONDO:0008992, OMIM 216100.
Roberts-SC phocomelia syndrome (RBS). Also called: LONG BONE DEFICIENCIES ASSOCIATED WITH CLEFT LIP-PALATE; ESCO2 Spectrum Disorder; Hypomelia hypotrichosis facial hemangioma syndrome; Pseudothalidomide syndrome; Appelt-Gerken-Lenz syndrome. Identifiers: Orphanet 3103, MedGen C0392475, MONDO:0100253, OMIM 268300.

Allele frequency attached by ClinVar (database versions not stated): ESP Exome Variant Server 0.00008; gnomAD exomes 0.00009; ExAC 0.00011; gnomAD 0.00013; TOPMed 0.00014; 1000 Genomes Project 0.00040; 1000 Genomes Project 30x 0.00047.
gnomAD v4.1: 157 of 1,611,422 alleles (0.0097%); highest among the groups gnomAD compares: Middle Eastern, 0.066%; no homozygotes.

Submissions (2):

Fulgent Genetics
Classification: Uncertain significance for Juberg-Hayward syndrome; Roberts-SC phocomelia syndrome. Last evaluated: 2024-04-10. Review status: criteria provided, single submitter. Criteria: ACMG Guidelines, 2015. Collection method: clinical testing. Allele origin: germline.

Labcorp Genetics (formerly Invitae), Labcorp
Classification: Uncertain significance. Last evaluated: 2022-07-25. Review status: criteria provided, single submitter. Criteria: Invitae Variant Classification Sherloc (09022015). Collection method: clinical testing. Allele origin: germline.
Comment: This sequence change replaces isoleucine, which is neutral and non-polar, with threonine, which is neutral and polar, at codon 241 of the ESCO2 protein (p.Ile241Thr). This variant is present in population databases (rs201194009, gnomAD 0.02%). This variant has not been reported in the literature in individuals affected with ESCO2-related conditions. Algorithms developed to predict the effect of missense changes on protein structure and function output the following: SIFT: "Tolerated"; PolyPhen-2: "Benign"; Align-GVGD: "Class C0". The threonine amino acid residue is found in multiple mammalian species, which suggests that this missense change does not adversely affect protein function. In summary, the available evidence is currently insufficient to determine the role of this variant in disease. Therefore, it has been classified as a Variant of Uncertain Significance.

NM_001017420.3(ESCO2):c.722T>C (p.Ile241Thr)

Gene: ESCO2 (establishment of sister chromatid cohesion N-acetyltransferase 2; plus strand). Cytogenetic location: 8p21.1.
Variant type: single nucleotide variant.
Coding change: c.722T>C on transcript NM_001017420.3 (MANE Select); coding-DNA position 722, T replaced by C.
Protein change: p.Ile241Thr; replaces isoleucine 241 with threonine.
Molecular consequence: missense variant.
Genome position (GRCh38, 1-based): chr8:27,777,030, T>C. VCF-style: chr8-27777030-T-C. GRCh37 (hg19) VCF-style: chr8-27634547-T-C.
Other names: short protein forms I241T.
Identifiers: ClinVar variation 2072780 (VCV002072780.2), dbSNP rs201194009, ClinGen allele CA4692100.